The following is an entry in ClinVar:

NM_001378452.1(ITPR1):c.6148G>A (p.Glu2050Lys)

Gene: ITPR1 (inositol 1,4,5-trisphosphate receptor type 1; plus strand). Cytogenetic location: 3p26.1.
Variant type: single nucleotide variant.
Coding change: c.6148G>A on transcript NM_001378452.1 (MANE Select); coding-DNA position 6148, G replaced by A.
Protein change: p.Glu2050Lys; replaces glutamic acid 2050 with lysine.
Molecular consequence: missense variant.
Genome position (GRCh38, 1-based): chr3:4,775,410, G>A. VCF-style: chr3-4775410-G-A. GRCh37 (hg19) VCF-style: chr3-4817094-G-A.
Other names: c.6004G>A, p.Glu2002Lys (NM_001099952.4); c.6103G>A, p.Glu2035Lys (NM_001168272.2); c.5959G>A, p.Glu1987Lys (NM_002222.7); short protein forms E1987K, E2002K, E2035K, E2050K.
Identifiers: ClinVar variation 1216646 (VCV001216646.5), dbSNP rs2125387220, ClinGen allele CA351637369.

ClinVar aggregate classification (germline): Uncertain significance. Review status: criteria provided, multiple submitters, no conflicts (2 of 4 stars). 2 submissions from 2 submitters: Uncertain significance (2). Last evaluated 2025-12-18.

Submissions (2):

Labcorp Genetics (formerly Invitae), Labcorp
Classification: Uncertain significance. Last evaluated: 2025-12-18. Review status: criteria provided, single submitter. Criteria: Invitae Variant Classification Sherloc (09022015). Collection method: clinical testing. Allele origin: germline.
Comment: This sequence change replaces glutamic acid, which is acidic and polar, with lysine, which is basic and polar, at codon 1987 of the ITPR1 protein (p.Glu1987Lys). This variant is not present in population databases (gnomAD no frequency). This variant has not been reported in the literature in individuals affected with ITPR1-related conditions. ClinVar contains an entry for this variant (Variation ID: 1216646). Invitae Evidence Modeling of protein sequence and biophysical properties (such as structural, functional, and spatial information, amino acid conservation, physicochemical variation, residue mobility, and thermodynamic stability) indicates that this missense variant is expected to disrupt ITPR1 protein function with a positive predictive value of 95%. In summary, the available evidence is currently insufficient to determine the role of this variant in disease. Therefore, it has been classified as a Variant of Uncertain Significance.

GeneDx
Classification: Uncertain significance. Last evaluated: 2024-01-29. Review status: criteria provided, single submitter. Criteria: GeneDx Variant Classification Process June 2021. Collection method: clinical testing. Allele origin: germline. Affected: yes.
Comment: Not observed at significant frequency in large population cohorts (gnomAD); In silico analysis supports that this missense variant has a deleterious effect on protein structure/function; Has not been previously published as pathogenic or benign to our knowledge